The following is an entry in ClinVar:

NM_016042.4(EXOSC3):c.680T>C (p.Leu227Pro)

Gene: EXOSC3 (exosome component 3; minus strand). Cytogenetic location: 9p13.2.
Variant type: single nucleotide variant.
Coding change: c.680T>C on transcript NM_016042.4 (MANE Select); coding-DNA position 680, T replaced by C.
Protein change: p.Leu227Pro; replaces leucine 227 with proline.
Molecular consequence: missense variant. On other transcripts: 3 prime UTR variant (1).
Genome position (GRCh38, 1-based): chr9:37,780,827, A>G on the plus strand (T>C on the coding strand, the complement: EXOSC3 is on the minus strand). VCF-style: chr9-37780827-A-G. GRCh37 (hg19) VCF-style: chr9-37780824-A-G.
Other names: c.*33T>C (NM_001002269.2); short protein forms L227P.
Identifiers: ClinVar variation 2150004 (VCV002150004.1), dbSNP rs1488568596, ClinGen allele CA373474784.

ClinVar aggregate classification (germline): Uncertain significance (1 of 4 stars; one submission).

Conditions:
Pontocerebellar hypoplasia type 1B. Also called: EXOSC3 Pontocerebellar Hypoplasia. Identifiers: Orphanet 2254, MedGen C3553449, MONDO:0013853, OMIM 614678.

Allele frequency attached by ClinVar (database versions not stated): gnomAD exomes 0.00001.

Submission:

Labcorp Genetics (formerly Invitae), Labcorp
Classification: Uncertain significance for Pontocerebellar hypoplasia type 1B. Last evaluated: 2022-04-17. Review status: criteria provided, single submitter. Criteria: Invitae Variant Classification Sherloc (09022015). Collection method: clinical testing. Allele origin: germline.
Comment: This sequence change replaces leucine, which is neutral and non-polar, with proline, which is neutral and non-polar, at codon 227 of the EXOSC3 protein (p.Leu227Pro). This variant is present in population databases (no rsID available, gnomAD 0.003%). This variant has not been reported in the literature in individuals affected with EXOSC3-related conditions. Algorithms developed to predict the effect of missense changes on protein structure and function are either unavailable or do not agree on the potential impact of this missense change (SIFT: "Tolerated"; PolyPhen-2: "Probably Damaging"; Align-GVGD: "Class C0"). In summary, the available evidence is currently insufficient to determine the role of this variant in disease. Therefore, it has been classified as a Variant of Uncertain Significance.